The following is an entry in ClinVar:

NM_000553.6(WRN):c.3309G>C (p.Lys1103Asn)

Gene: WRN (WRN RecQ like helicase; plus strand). Cytogenetic location: 8p12.
Variant type: single nucleotide variant.
Coding change: c.3309G>C on transcript NM_000553.6 (MANE Select); coding-DNA position 3309, G replaced by C.
Protein change: p.Lys1103Asn; replaces lysine 1103 with asparagine.
Molecular consequence: missense variant.
Genome position (GRCh38, 1-based): chr8:31,142,701, G>C. VCF-style: chr8-31142701-G-C. GRCh37 (hg19) VCF-style: chr8-31000217-G-C.
Other names: short protein forms K1103N.
Identifiers: ClinVar variation 578262 (VCV000578262.6), dbSNP rs770117143, ClinGen allele CA370923532.

ClinVar aggregate classification (germline): Uncertain significance (1 of 4 stars; one submission).

Conditions:
Werner syndrome (WRN). Identifiers: Orphanet 902, MedGen C0043119, MONDO:0010196, OMIM 277700.

gnomAD v4.1: 1 of 1,597,950 alleles (0.000063%); highest among the groups gnomAD compares: Non-Finnish European, 0.000085%; no homozygotes.

Submission:

Labcorp Genetics (formerly Invitae), Labcorp
Classification: Uncertain significance for Werner syndrome. Last evaluated: 2019-06-19. Review status: criteria provided, single submitter. Criteria: Invitae Variant Classification Sherloc (09022015). Collection method: clinical testing. Allele origin: germline.
Comment: In summary, the available evidence is currently insufficient to determine the role of this variant in disease. Therefore, it has been classified as a Variant of Uncertain Significance. Nucleotide substitutions within the consensus splice site are a relatively common cause of aberrant splicing (PMID: 17576681, 9536098). Algorithms developed to predict the effect of sequence changes on RNA splicing suggest that this variant may disrupt the consensus splice site, but this prediction has not been confirmed by published transcriptional studies. Algorithms developed to predict the effect of missense changes on protein structure and function do not agree on the potential impact of this missense change (SIFT: "Tolerated"; PolyPhen-2: "Possibly Damaging"; Align-GVGD: "Class C0"). This variant has not been reported in the literature in individuals with WRN-related disease. This variant is not present in population databases (ExAC no frequency). This sequence change replaces lysine with asparagine at codon 1103 of the WRN protein (p.Lys1103Asn). The lysine residue is weakly conserved and there is a moderate physicochemical difference between lysine and asparagine. This variant also falls at the last nucleotide of exon 27 of the WRN coding sequence, which is part of the consensus splice site for this exon.

Literature cited by the submitters: PubMed 17576681; PubMed 9536098.